The following is an entry in ClinVar:

ClinVar aggregate classification (germline): Likely pathogenic. Review status: criteria provided, multiple submitters, no conflicts (2 of 4 stars). 2 submissions from 2 submitters: Likely pathogenic (2). Last evaluated 2026-02-12.

Conditions:
Hypophosphatasia. Also called: Phosphoethanol-aminuria. Identifiers: Orphanet 436, MedGen C0020630, MeSH D007014, MONDO:0018570.

Submissions (2):

JKU Lab, Dept of Paediatrics, Johannes Kepler University
Classification: Likely pathogenic for Hypophosphatasia. Last evaluated: 2026-02-12. Review status: criteria provided, single submitter. Criteria: ACMG Guidelines, 2015. Collection method: curation. Allele origin: germline. Affected: yes.
Comment: This missense variant is not present in GnomAD 4.1 and affects a highly conserved amino acid in the active site domain. The variant is predicted to affect protein function (REVEL score: 0.890). Splice-prediction algorithms predict no effect on splicing. This variant has been reported in the literature in individuals affected with ALPL-related conditions (PMID:37600704).

Genomenon, Inc
Classification: Likely pathogenic for Hypophosphatasia. Last evaluated: 2025-08-29. Review status: criteria provided, single submitter. Criteria: Genomenon Sequence Variant Interpretation Standards. Collection method: curation. Allele origin: germline. Affected: yes.
Comment: ALPL c.327C>A is a missense variant that changes the amino acid at residue 109 from Aspartic acid to Glutamic acid. This variant has been observed in at least one proband affected with hypophosphatasia (PMID:37600704). It is absent or not present at a significant frequency in gnomAD. In silico models agree that this variant is possibly or probably damaging. In conclusion, we classify ALPL p.Asp109Glu (c.327C>A) as a likely pathogenic variant.

Literature cited by the submitters: PubMed 37600704 (cited by JKU Lab, Dept of Paediatrics, Johannes Kepler University and Genomenon, Inc).

NM_000478.6(ALPL):c.327C>A (p.Asp109Glu)

Gene: ALPL (alkaline phosphatase, biomineralization associated; plus strand). Cytogenetic location: 1p36.12.
Variant type: single nucleotide variant.
Coding change: c.327C>A on transcript NM_000478.6 (MANE Select); coding-DNA position 327, C replaced by A.
Protein change: p.Asp109Glu; replaces aspartic acid 109 with glutamic acid.
Molecular consequence: missense variant.
Genome position (GRCh38, 1-based): chr1:21,563,139, C>A. VCF-style: chr1-21563139-C-A. GRCh37 (hg19) VCF-style: chr1-21889632-C-A.
Other names: c.162C>A, p.Asp54Glu (NM_001127501.4); c.96C>A, p.Asp32Glu (NM_001177520.3); c.327C>A, p.Asp109Glu (NM_001369803.2, NM_001369804.2, NM_001369805.2); short protein forms D109E, D32E, D54E.
Identifiers: ClinVar variation 4086795 (VCV004086795.2).
Genomic context (GRCh38, chr1:21,563,139, plus strand): 5'-CCATCTCCTGACCCTCCTCTCCCACCTGCAGACGTACAACACCAATGCCCAGGTCCCTGA[C>A]AGTGCCGGCACCGCCACCGCCTACCTGTGTGGGGTGAAGGCCAATGAGGGCACCGTGGGG-3'
Protein context (NP_000469.3, residues 99-119): KTYNTNAQVP[Asp109Glu]SAGTATAYLC